The following is an entry in ClinVar:

NM_177438.3(DICER1):c.154C>G (p.Leu52Val)

Gene: DICER1 (dicer 1, ribonuclease III; minus strand). Cytogenetic location: 14q32.13.
Variant type: single nucleotide variant.
Coding change: c.154C>G on transcript NM_177438.3 (MANE Select); coding-DNA position 154, C replaced by G.
Protein change: p.Leu52Val; replaces leucine 52 with valine.
Molecular consequence: missense variant.
Genome position (GRCh38, 1-based): chr14:95,132,668, G>C on the plus strand (C>G on the coding strand, the complement: DICER1 is on the minus strand). VCF-style: chr14-95132668-G-C. GRCh37 (hg19) VCF-style: chr14-95599005-G-C.
Other names: c.154C>G, p.Leu52Val (NM_001195573.1, NM_001271282.3, NM_001291628.2 and 1 more transcripts); short protein forms L52V.
Identifiers: ClinVar variation 648990 (VCV000648990.13), dbSNP rs1595466704, ClinGen allele CA390890166.

ClinVar aggregate classification (germline): Uncertain significance. Review status: criteria provided, multiple submitters, no conflicts (2 of 4 stars). 2 submissions from 2 submitters: Uncertain significance (2). Last evaluated 2025-10-06.

Conditions:
Hereditary cancer-predisposing syndrome. Also called: Hereditary Cancer Syndrome; Tumor predisposition; Neoplastic Syndromes, Hereditary; Hereditary neoplastic syndrome. Identifiers: Orphanet 140162, MedGen C0027672, MeSH D009386, MONDO:0015356.
DICER1-related tumor predisposition. Also called: DICER1-related pleuropulmonary blastoma cancer predisposition syndrome; DICER1 syndrome. Identifiers: Orphanet 284343, MedGen C3839822, MONDO:0100216.

Allele frequency attached by ClinVar (database versions not stated): gnomAD exomes below 0.00001.
gnomAD v4.1: 1 of 1,613,824 alleles (0.000062%); highest among the groups gnomAD compares: Admixed American, 0.0017%; no homozygotes.

Submissions (2):

Labcorp Genetics (formerly Invitae), Labcorp
Classification: Uncertain significance for DICER1-related tumor predisposition. Last evaluated: 2025-10-06. Review status: criteria provided, single submitter. Criteria: Invitae Variant Classification Sherloc (09022015). Collection method: clinical testing. Allele origin: germline.
Comment: This sequence change replaces leucine, which is neutral and non-polar, with valine, which is neutral and non-polar, at codon 52 of the DICER1 protein (p.Leu52Val). This variant is not present in population databases (gnomAD no frequency). This variant has not been reported in the literature in individuals affected with DICER1-related conditions. ClinVar contains an entry for this variant (Variation ID: 648990). Invitae Evidence Modeling of protein sequence and biophysical properties (such as structural, functional, and spatial information, amino acid conservation, physicochemical variation, residue mobility, and thermodynamic stability) indicates that this missense variant is not expected to disrupt DICER1 protein function with a negative predictive value of 95%. In summary, the available evidence is currently insufficient to determine the role of this variant in disease. Therefore, it has been classified as a Variant of Uncertain Significance.

Ambry Genetics
Classification: Uncertain significance for Hereditary cancer-predisposing syndrome. Last evaluated: 2024-01-25. Review status: criteria provided, single submitter. Criteria: Ambry Variant Classification Scheme 2023. Collection method: clinical testing. Allele origin: germline.
Comment: The p.L52V variant (also known as c.154C>G), located in coding exon 2 of the DICER1 gene, results from a C to G substitution at nucleotide position 154. The leucine at codon 52 is replaced by valine, an amino acid with highly similar properties. This amino acid position is conserved. In addition, this alteration is predicted to be deleterious by in silico analysis. Based on the available evidence, the clinical significance of this alteration remains unclear.